The following is an entry in ClinVar:

NM_006743.5(RBM3):c.223C>T (p.Arg75Cys)

Gene: RBM3 (RNA binding motif protein 3; plus strand). Cytogenetic location: Xp11.23.
Variant type: single nucleotide variant.
Coding change: c.223C>T on transcript NM_006743.5 (MANE Select); coding-DNA position 223, C replaced by T.
Protein change: p.Arg75Cys; replaces arginine 75 with cysteine.
Molecular consequence: missense variant.
Genome position (GRCh38, 1-based): chrX:48,576,326, C>T. VCF-style: chrX-48576326-C-T. GRCh37 (hg19) VCF-style: chrX-48434714-C-T.
Other names: short protein forms R75C.
Identifiers: ClinVar variation 5028028 (VCV005028028.1).
Genomic context (GRCh38, chrX:48,576,326, plus strand): 5'-TGCCCTGACTGACTGCCAACCCATCATCCTTGTGTCTCCCACACTTAGTCTCTGGATGGT[C>T]GTCAGATCCGTGTGGATCATGCAGGCAAGTCTGCTCGGGGAACCAGAGGAGGTGGCTTTG-3'
Protein context (NP_006734.1, residues 65-85): RAMNGESLDG[Arg75Cys]QIRVDHAGKS

ClinVar aggregate classification (germline): Uncertain significance (1 of 4 stars; one submission).

Submission:

Ambry Genetics
Classification: Uncertain significance. Last evaluated: 2026-08-12. Review status: criteria provided, single submitter. Criteria: Ambry Variant Classification Scheme 2023. Collection method: clinical testing. Allele origin: germline.
Comment: The c.223C>T (p.R75C) alteration is located in exon 4 (coding exon 3) of the RBM3 gene. This alteration results from a C to T substitution at nucleotide position 223, causing the arginine (R) at amino acid position 75 to be replaced by a cysteine (C). Based on data from gnomAD, the T allele has an overall frequency of 0.001% (1/177589) total alleles studied. The highest observed frequency was 0.001% (1/78915) of European (non-Finnish) alleles. Based on insufficient or conflicting evidence, the clinical significance of this alteration remains unclear.